The following is an entry in ClinVar:

ClinVar aggregate classification (germline): Uncertain significance. Review status: criteria provided, multiple submitters, no conflicts (2 of 4 stars). 2 submissions from 2 submitters: Uncertain significance (2). Last evaluated 2025-06-13.

Allele frequency attached by ClinVar (database versions not stated): gnomAD exomes below 0.00001.
gnomAD v4.1: 2 of 1,207,006 alleles (0.00017%); highest among the groups gnomAD compares: Non-Finnish European, 0.00022%; no homozygotes.

Submissions (2):

GeneDx
Classification: Uncertain significance. Last evaluated: 2025-06-13. Review status: criteria provided, single submitter. Criteria: GeneDx Variant Classification Process June 2021. Collection method: clinical testing. Allele origin: germline. Affected: yes.
Comment: Not observed at significant frequency in large population cohorts (gnomAD); In silico analysis supports a deleterious effect on splicing; In silico analysis supports that this missense variant has a deleterious effect on protein structure/function; Has not been previously published as pathogenic or benign to our knowledge

Labcorp Genetics (formerly Invitae), Labcorp
Classification: Uncertain significance. Last evaluated: 2025-06-04. Review status: criteria provided, single submitter. Criteria: Invitae Variant Classification Sherloc (09022015). Collection method: clinical testing. Allele origin: germline.
Comment: This sequence change replaces glycine, which is neutral and non-polar, with valine, which is neutral and non-polar, at codon 30 of the DDX3X protein (p.Gly30Val). This variant is not present in population databases (gnomAD no frequency). This variant has not been reported in the literature in individuals affected with DDX3X-related conditions. ClinVar contains an entry for this variant (Variation ID: 1525243). Experimental studies and prediction algorithms are not available or were not evaluated, and the functional significance of this variant is currently unknown. Algorithms developed to predict the effect of sequence changes on RNA splicing suggest that this variant may disrupt the consensus splice site. In summary, the available evidence is currently insufficient to determine the role of this variant in disease. Therefore, it has been classified as a Variant of Uncertain Significance.

NM_001356.5(DDX3X):c.89G>T (p.Gly30Val)

Gene: DDX3X (DEAD-box helicase 3 X-linked; plus strand). Cytogenetic location: Xp11.4.
Variant type: single nucleotide variant.
Coding change: c.89G>T on transcript NM_001356.5 (MANE Select); coding-DNA position 89, G replaced by T.
Protein change: p.Gly30Val; replaces glycine 30 with valine.
Molecular consequence: missense variant. On other transcripts: 5 prime UTR variant (1), non-coding transcript variant (2).
Genome position (GRCh38, 1-based): chrX:41,337,451, G>T. VCF-style: chrX-41337451-G-T. GRCh37 (hg19) VCF-style: chrX-41196704-G-T.
Other names: c.89G>T (NM_001193416.1); c.89G>T, p.Gly30Val (NM_001193416.3, NM_001193417.3); c.-1815G>T (NM_001363819.1); short protein forms G30V.
Identifiers: ClinVar variation 1525243 (VCV001525243.9), dbSNP rs2147340549, ClinGen allele CA412762545.